The following is an entry in ClinVar:

ClinVar aggregate classification (germline): Uncertain significance (1 of 4 stars; one submission).

Conditions:
Rafiq syndrome (RAFQS). Identifiers: Orphanet 88616, MedGen C3280127, MONDO:0013624, OMIM 614202.

Submission:

Labcorp Genetics (formerly Invitae), Labcorp
Classification: Uncertain significance for Rafiq syndrome. Last evaluated: 2024-04-30. Review status: criteria provided, single submitter. Criteria: Invitae Variant Classification Sherloc (09022015). Collection method: clinical testing. Allele origin: germline.
Comment: This sequence change replaces proline, which is neutral and non-polar, with leucine, which is neutral and non-polar, at codon 698 of the MAN1B1 protein (p.Pro698Leu). This variant is not present in population databases (gnomAD no frequency). This variant has not been reported in the literature in individuals affected with MAN1B1-related conditions. ClinVar contains an entry for this variant (Variation ID: 2094250). An algorithm developed to predict the effect of missense changes on protein structure and function (PolyPhen-2) suggests that this variant is likely to be disruptive. In summary, the available evidence is currently insufficient to determine the role of this variant in disease. Therefore, it has been classified as a Variant of Uncertain Significance.

NM_016219.5(MAN1B1):c.2093C>T (p.Pro698Leu)

Gene: MAN1B1 (mannosidase alpha class 1B member 1; plus strand). Cytogenetic location: 9q34.3.
Variant type: single nucleotide variant.
Coding change: c.2093C>T on transcript NM_016219.5 (MANE Select); coding-DNA position 2093, C replaced by T.
Protein change: p.Pro698Leu; replaces proline 698 with leucine.
Molecular consequence: missense variant. On other transcripts: non-coding transcript variant (2).
Genome position (GRCh38, 1-based): chr9:137,108,584, C>T. VCF-style: chr9-137108584-C-T. GRCh37 (hg19) VCF-style: chr9-140003036-C-T.
Other names: c.1985C>T, p.Pro662Leu (NM_007230.1); short protein forms P698L, P662L.
Identifiers: ClinVar variation 2094250 (VCV002094250.4), dbSNP rs2538454209, ClinGen allele CA375709336.
Genomic context (GRCh38, chr9:137,108,584, plus strand): 5'-TGCTCAGCCTGGATGCCTACGTGTTCAACACCGAAGCCCACCCTCTGCCTATCTGGACCC[C>T]TGCCTAGGGTGGATGGCTGCTGGTGTGGGGACTTCGGGTGGGCAGAGGCACCTTGCTGGG-3'
Protein context (NP_057303.2, residues 688-699): TEAHPLPIWT[Pro698Leu]A